The following is an entry in ClinVar:

NM_000541.5(SAG):c.612C>G (p.Asp204Glu)

Gene: SAG (S-antigen visual arrestin; plus strand). Cytogenetic location: 2q37.1.
Variant type: single nucleotide variant.
Coding change: c.612C>G on transcript NM_000541.5 (MANE Select); coding-DNA position 612, C replaced by G.
Protein change: p.Asp204Glu; replaces aspartic acid 204 with glutamic acid.
Molecular consequence: missense variant.
Genome position (GRCh38, 1-based): chr2:233,328,577, C>G. VCF-style: chr2-233328577-C-G. GRCh37 (hg19) VCF-style: chr2-234237223-C-G.
Other names: short protein forms D204E.
Identifiers: ClinVar variation 1463088 (VCV001463088.6), dbSNP rs770042474, ClinGen allele CA2174445.
Genomic context (GRCh38, chr2:233,328,577, plus strand): 5'-CCCACTTGAGATGGGTCCCCAGCCCCGAGCTGAGGCGGCCTGGCAGTTCTTCATGTCTGA[C>G]AAGCCCCTGCACCTTGCGGTCTCTCTCAACAAAGAGGTAACCACCTACCATCGCTACTAC-3'
Protein context (NP_000532.2, residues 194-214): AEAAWQFFMS[Asp204Glu]KPLHLAVSLN

ClinVar aggregate classification (germline): Uncertain significance (1 of 4 stars; one submission).

Allele frequency attached by ClinVar (database versions not stated): gnomAD exomes 0.00001; ExAC 0.00002.
gnomAD v4.1: 3 of 1,613,896 alleles (0.00019%); highest among the groups gnomAD compares: Admixed American, 0.005%; no homozygotes.

Submission:

Labcorp Genetics (formerly Invitae), Labcorp
Classification: Uncertain significance. Last evaluated: 2024-02-23. Review status: criteria provided, single submitter. Criteria: Invitae Variant Classification Sherloc (09022015). Collection method: clinical testing. Allele origin: germline.
Comment: This sequence change replaces aspartic acid, which is acidic and polar, with glutamic acid, which is acidic and polar, at codon 204 of the SAG protein (p.Asp204Glu). This variant is present in population databases (rs770042474, gnomAD 0.009%). This variant has not been reported in the literature in individuals affected with SAG-related conditions. ClinVar contains an entry for this variant (Variation ID: 1463088). Advanced modeling of protein sequence and biophysical properties (such as structural, functional, and spatial information, amino acid conservation, physicochemical variation, residue mobility, and thermodynamic stability) performed at Invitae indicates that this missense variant is not expected to disrupt SAG protein function with a negative predictive value of 80%. In summary, the available evidence is currently insufficient to determine the role of this variant in disease. Therefore, it has been classified as a Variant of Uncertain Significance.